The following is an entry in ClinVar:

NM_000540.3(RYR1):c.3712A>C (p.Ser1238Arg)

Gene: RYR1 (ryanodine receptor 1; plus strand). Cytogenetic location: 19q13.2.
Variant type: single nucleotide variant.
Coding change: c.3712A>C on transcript NM_000540.3 (MANE Select); coding-DNA position 3712, A replaced by C.
Protein change: p.Ser1238Arg; replaces serine 1238 with arginine.
Molecular consequence: missense variant.
Genome position (GRCh38, 1-based): chr19:38,469,460, A>C. VCF-style: chr19-38469460-A-C. GRCh37 (hg19) VCF-style: chr19-38960100-A-C.
Other names: c.3712A>C, p.Ser1238Arg (NM_001042723.2); short protein forms S1238R.
Identifiers: ClinVar variation 3070584 (VCV003070584.1), dbSNP rs749156914, ClinGen allele CA065104.

ClinVar aggregate classification (germline): Uncertain significance (1 of 4 stars; one submission).

Conditions:
Malignant hyperthermia, susceptibility to, 1 (MHS1). Also called: Anesthesia related hyperthermia; Malignant hyperpyrexia; Fulminating hyperpyrexia; Pharmacogenic myopathy; RYR1-Related Malignant Hyperthermia Susceptibility; Malignant hyperthermia suceptibility 1. Identifiers: Orphanet 423, MedGen C2930980, MONDO:0007783, OMIM 145600.

Allele frequency attached by ClinVar (database versions not stated): TOPMed below 0.00001; ExAC 0.00001; gnomAD 0.00001.
gnomAD v4.1: 4 of 1,614,074 alleles (0.00025%); highest among the groups gnomAD compares: South Asian, 0.0011%; no homozygotes.

Submission:

All of Us Research Program, National Institutes of Health
Classification: Uncertain significance for Malignant hyperthermia, susceptibility to, 1. Last evaluated: 2023-04-27. Review status: criteria provided, single submitter. Criteria: ACMG Guidelines, 2015. Collection method: clinical testing. Allele origin: germline. Inheritance: Autosomal dominant inheritance. Observed: 1 variant allele, 1 heterozygote.
Comment: This study involves interpretation of variants in research participants for the purpose of population health screening. Participant phenotype was not available at the time of variant classification. Additional details can be found in publication PMID: 35346344, PMCID: PMC8962531